The following is an entry in ClinVar:

NM_021922.3(FANCE):c.742G>A (p.Ala248Thr)

Gene: FANCE (FA complementation group E; plus strand). Cytogenetic location: 6p21.31.
Variant type: single nucleotide variant.
Coding change: c.742G>A on transcript NM_021922.3 (MANE Select); coding-DNA position 742, G replaced by A.
Protein change: p.Ala248Thr; replaces alanine 248 with threonine.
Molecular consequence: missense variant.
Genome position (GRCh38, 1-based): chr6:35,456,240, G>A. VCF-style: chr6-35456240-G-A. GRCh37 (hg19) VCF-style: chr6-35424017-G-A.
Other names: c.742G>A (NM_021922.2); short protein forms A248T.
Identifiers: ClinVar variation 1403906 (VCV001403906.8), dbSNP rs1330517530, ClinGen allele CA363773838.

ClinVar aggregate classification (germline): Conflicting classifications of pathogenicity. Review status: criteria provided, conflicting classifications (1 of 4 stars). 3 submissions from 3 submitters: Uncertain significance (2); Benign (1). Last evaluated 2025-02-07.

Conditions:
Fanconi anemia complementation group E (FANCE). Also called: FANCE-Related Fanconi Anemia. Identifiers: Orphanet 84, MedGen C3160739, MONDO:0010953, OMIM 600901.
Inborn genetic diseases. Identifiers: MedGen C0950123, MeSH D030342.
Ovarian cancer. Also called: OVARIAN CANCER, SOMATIC. Identifiers: Orphanet 213500, MedGen C1140680, MONDO:0008170, OMIM 167000.

Allele frequency attached by ClinVar (database versions not stated): TOPMed below 0.00001.
gnomAD v4.1: 1 of 1,614,208 alleles (0.000062%); no homozygotes.

Submissions (3):

Labcorp Genetics (formerly Invitae), Labcorp
Classification: Uncertain significance for Fanconi anemia complementation group E. Last evaluated: 2025-02-07. Review status: criteria provided, single submitter. Criteria: Invitae Variant Classification Sherloc (09022015). Collection method: clinical testing. Allele origin: germline.
Comment: This sequence change replaces alanine, which is neutral and non-polar, with threonine, which is neutral and polar, at codon 248 of the FANCE protein (p.Ala248Thr). This variant is present in population databases (no rsID available, gnomAD 0.01%). This variant has not been reported in the literature in individuals affected with FANCE-related conditions. ClinVar contains an entry for this variant (Variation ID: 1403906). Invitae Evidence Modeling of protein sequence and biophysical properties (such as structural, functional, and spatial information, amino acid conservation, physicochemical variation, residue mobility, and thermodynamic stability) indicates that this missense variant is not expected to disrupt FANCE protein function with a negative predictive value of 80%. In summary, the available evidence is currently insufficient to determine the role of this variant in disease. Therefore, it has been classified as a Variant of Uncertain Significance.

Ambry Genetics
Classification: Uncertain significance for Inborn genetic diseases. Last evaluated: 2022-06-30. Review status: criteria provided, single submitter. Criteria: Ambry Variant Classification Scheme 2023. Collection method: clinical testing. Allele origin: germline.

Laboratory of Molecular Epidemiology of Birth Defects, West China Second University Hospital, Sichuan University
Classification: Benign for Ovarian cancer. Last evaluated: 2022-01-01. Review status: criteria provided, single submitter. Criteria: ACMG Guidelines, 2015. Collection method: clinical testing. Allele origin: germline. Affected: yes.